The following is an entry in ClinVar:

Conditions:
Breast-ovarian cancer, familial, susceptibility to, 1 (BROVCA1). Also called: BRCA1 Hereditary Breast and Ovarian Cancer; OVARIAN CANCER, SUSCEPTIBILITY TO. Identifiers: Orphanet 145, MedGen C2676676, MONDO:0011450, OMIM 604370. Disease mechanism: loss of function.

Submission:

Brotman Baty Institute, University of Washington
No classification provided (evidence only). Condition: Breast-ovarian cancer, familial 1. Review status: no classification provided. Collection method: in vitro. Allele origin: not applicable. Functional consequence: functionally_normal.
ClinVar note: "not provided" was previously submitted as the classification for the variant. However, the classification appeared to be based only on an observation of functional data so it was converted to no classification on 2025-07-30.

NM_007294.4(BRCA1):c.5505A>G (p.Arg1835=)

Gene: BRCA1 (BRCA1 DNA repair associated; minus strand). Cytogenetic location: 17q21.31.
Variant type: single nucleotide variant.
Coding change: c.5505A>G on transcript NM_007294.4 (MANE Select); coding-DNA position 5505, A replaced by G.
Protein change: p.Arg1835=; no amino-acid change (arginine 1835 retained).
Molecular consequence: synonymous variant. On other transcripts: 3 prime UTR variant (17).
Genome position (GRCh38, 1-based): chr17:43,045,765, T>C on the plus strand (A>G on the coding strand, the complement: BRCA1 is on the minus strand). VCF-style: chr17-43045765-T-C. GRCh37 (hg19) VCF-style: chr17-41197782-T-C.
Other names: c.5424A>G, p.Arg1808= (NM_001407658.1, NM_001407656.1, NM_001407657.1); c.5421A>G, p.Arg1807= (NM_001407659.1, NM_001407660.1, NM_001407661.1 and 2 more transcripts); c.5382A>G, p.Arg1794= (NM_001407664.1, NM_001407665.1, NM_001407666.1 and 3 more transcripts); c.5379A>G, p.Arg1793= (NM_001407670.1, NM_001407671.1, NM_001407672.1 and 8 more transcripts); c.5376A>G, p.Arg1792= (NM_001407681.1, NM_001407682.1, NM_001407683.1 and 6 more transcripts); c.5373A>G, p.Arg1791= (NM_001407690.1, NM_001407691.1); c.5364A>G, p.Arg1788= (NM_001407692.1, NM_001407694.1, NM_001407695.1 and 12 more transcripts); c.5361A>G, p.Arg1787= (NM_001407732.1, NM_001407733.1, NM_001407734.1 and 18 more transcripts); and 74 more.
Identifiers: ClinVar variation 867608 (VCV000867608.3), dbSNP rs2050879074, ClinGen allele CA500142910.